The following is an entry in ClinVar:

ClinVar aggregate classification (germline): Benign/Likely benign. Review status: criteria provided, multiple submitters, no conflicts (2 of 4 stars). 5 submissions from 5 submitters: Benign (1); Likely benign (4). Last evaluated 2026-01-28.

Conditions:
PC-related disorder. Also called: PC-related condition.
Pyruvate carboxylase deficiency. Also called: Pyruvate Carboxylase Deficiency Disease; ATAXIA WITH LACTIC ACIDOSIS II; PC DEFICIENCY; LEIGH NECROTIZING ENCEPHALOPATHY DUE TO PYRUVATE CARBOXYLASE DEFICIENCY; LEIGH SYNDROME DUE TO PYRUVATE CARBOXYLASE DEFICIENCY. Identifiers: Orphanet 3008, MedGen C0034341, MONDO:0009949, OMIM 266150.

Allele frequency attached by ClinVar (database versions not stated): ExAC 0.00022; ESP Exome Variant Server 0.00023; gnomAD exomes 0.00026 and 0.00081; gnomAD 0.00038 and 0.00039; TOPMed 0.00038.
gnomAD v4.1: 1,240 of 1,613,574 alleles (0.077%); highest among the groups gnomAD compares: Non-Finnish European, 0.1%; no homozygotes.

Submissions (5):

Labcorp Genetics (formerly Invitae), Labcorp
Classification: Likely benign for Pyruvate carboxylase deficiency. Last evaluated: 2026-01-28. Review status: criteria provided, single submitter. Criteria: Invitae Variant Classification Sherloc (09022015). Collection method: clinical testing. Allele origin: germline.

PreventionGenetics, part of Exact Sciences
Classification: Likely benign for PC-related condition. Last evaluated: 2025-10-14. Review status: criteria provided, single submitter. Criteria: ACMG Guidelines, 2015. Collection method: clinical testing. Allele origin: germline.
Comment: This variant is classified as likely benign based on ACMG/AMP sequence variant interpretation guidelines (Richards et al. 2015 PMID: 25741868, with internal and published modifications).

Blueprint Genetics
Classification: Likely benign. Last evaluated: 2024-08-22. Review status: criteria provided, single submitter. Criteria: ACMG Guidelines, 2015. Collection method: clinical testing. Allele origin: germline.

CeGaT Center for Human Genetics Tuebingen
Classification: Likely benign. Last evaluated: 2023-12-01. Review status: criteria provided, single submitter. Criteria: CeGaT Center For Human Genetics Tuebingen Variant Classification Criteria Version 2. Collection method: clinical testing. Allele origin: germline. Affected: yes. Observed: 4 variant alleles.
Comment: PC: BP4, BP7

GeneDx
Classification: Benign. Last evaluated: 2014-10-30. Review status: criteria provided, single submitter. Criteria: GeneDx Variant Classification (06012015). Collection method: clinical testing. Allele origin: germline. Affected: yes.
Comment: This variant is considered likely benign or benign based on one or more of the following criteria: it is a conservative change, it occurs at a poorly conserved position in the protein, it is predicted to be benign by multiple in silico algorithms, and/or has population frequency not consistent with disease.

NM_001040716.2(PC):c.3258C>G (p.Ser1086=)

Gene: PC (pyruvate carboxylase; minus strand). Cytogenetic location: 11q13.2.
Variant type: single nucleotide variant.
Coding change: c.3258C>G on transcript NM_001040716.2 (MANE Select); coding-DNA position 3258, C replaced by G.
Protein change: p.Ser1086=; no amino-acid change (serine 1086 retained).
Molecular consequence: synonymous variant.
Genome position (GRCh38, 1-based): chr11:66,849,260, G>C on the plus strand (C>G on the coding strand, the complement: PC is on the minus strand). VCF-style: chr11-66849260-G-C. GRCh37 (hg19) VCF-style: chr11-66616731-G-C.
Other names: p.S1086S:TCC>TCG; c.3258C>G, p.Ser1086= (NM_000920.4, NM_022172.3); c.3258C>G (NM_001040716.1).
Identifiers: ClinVar variation 203903 (VCV000203903.37), dbSNP rs138238125, ClinGen allele CA312869.